The following is an entry in ClinVar:

ClinVar aggregate classification (germline): Conflicting classifications of pathogenicity. Review status: criteria provided, conflicting classifications (1 of 4 stars). 5 submissions from 5 submitters: Uncertain significance (2); Likely benign (3). Last evaluated 2026-01-21.

Conditions:
Congenital myasthenic syndrome (CMS). Also called: Congenital Myasthenic Syndromes. Identifiers: Orphanet 590, MedGen C0751882, MeSH D020294, MONDO:0018940.
Congenital myasthenic syndrome 4A. Also called: Myasthenic syndrome, congenital, 4a, slow-channel; CONGENITAL MYASTHENIC SYNDROME TYPE Ia1; MYASTHENIC SYNDROME, CONGENITAL, 4A, SLOW-CHANNEL, AUTOSOMAL RECESSIVE. Identifiers: Orphanet 590, MedGen C4225413, MONDO:0011600, OMIM 605809.

Allele frequency attached by ClinVar (database versions not stated): ESP Exome Variant Server 0.00008; gnomAD 0.00009; TOPMed 0.00013; gnomAD exomes 0.00020; ExAC 0.00021.
gnomAD v4.1: 456 of 1,614,032 alleles (0.028%); highest among the groups gnomAD compares: South Asian, 0.076%; 1 homozygote.

Submissions (5):

Labcorp Genetics (formerly Invitae), Labcorp
Classification: Likely benign for Congenital myasthenic syndrome 4A. Last evaluated: 2026-01-21. Review status: criteria provided, single submitter. Criteria: Invitae Variant Classification Sherloc (09022015). Collection method: clinical testing. Allele origin: germline.

Mayo Clinic Laboratories, Mayo Clinic
Classification: Likely benign. Last evaluated: 2025-04-30. Review status: criteria provided, single submitter. Criteria: ACMG Guidelines, 2015. Collection method: clinical testing. Allele origin: germline. Observed: 1 variant allele.
Comment: BP4, BP7

Illumina Laboratory Services, Illumina
Classification: Uncertain significance for Congenital myasthenic syndrome. Last evaluated: 2018-01-13. Review status: criteria provided, single submitter. Criteria: ICSL Variant Classification Criteria 13 December 2019. Collection method: clinical testing. Allele origin: germline.

Eurofins Ntd Llc (ga)
Classification: Uncertain significance. Last evaluated: 2017-08-14. Review status: criteria provided, single submitter. Criteria: EGL Classification Definitions 2015. Collection method: clinical testing. Allele origin: germline. Observed: 1 variant allele, 1 heterozygote.

PreventionGenetics, part of Exact Sciences
Classification: Likely benign. Review status: criteria provided, single submitter. Criteria: ACMG Guidelines, 2015. Collection method: clinical testing. Allele origin: germline.

NM_000080.4(CHRNE):c.465C>T (p.Phe155=)

Genes: C17orf107 (chromosome 17 open reading frame 107; plus strand), CHRNE (cholinergic receptor nicotinic epsilon subunit; minus strand). Cytogenetic location: 17p13.2.
Variant type: single nucleotide variant.
Coding change: c.465C>T on transcript NM_000080.4 (MANE Select); coding-DNA position 465, C replaced by T.
Protein change: p.Phe155=; no amino-acid change (phenylalanine 155 retained).
Molecular consequence: synonymous variant. On other transcripts: 3 prime UTR variant (1).
Genome position (GRCh38, 1-based): chr17:4,901,967, G>A on the plus strand (C>T on the coding strand, the complement: CHRNE is on the minus strand). VCF-style: chr17-4901967-G-A. GRCh37 (hg19) VCF-style: chr17-4805262-G-A.
Other names: p.Phe155=; c.*1434G>A (NM_001145536.2).
Identifiers: ClinVar variation 254898 (VCV000254898.22), dbSNP rs139625105, ClinGen allele CA8314451.